The following is an entry in ClinVar:

ClinVar aggregate classification (germline): Conflicting classifications of pathogenicity. Review status: criteria provided, conflicting classifications (1 of 4 stars). 2 submissions from 2 submitters: Uncertain significance (1); Likely benign (1). Last evaluated 2025-07-07.

Conditions:
Inborn genetic diseases. Identifiers: MedGen C0950123, MeSH D030342.

Allele frequency attached by ClinVar (database versions not stated): TOPMed below 0.00001; gnomAD 0.00001 and 0.00003; gnomAD exomes 0.00001 and 0.00002.
gnomAD v4.1: 28 of 1,614,132 alleles (0.0017%); highest among the groups gnomAD compares: South Asian, 0.0044%; no homozygotes.

Submissions (2):

Ambry Genetics
Classification: Likely benign for Inborn genetic diseases. Last evaluated: 2025-07-07. Review status: criteria provided, single submitter. Criteria: Ambry Variant Classification Scheme 2023. Collection method: clinical testing. Allele origin: germline.

GeneDx
Classification: Uncertain significance. Last evaluated: 2022-02-10. Review status: criteria provided, single submitter. Criteria: GeneDx Variant Classification Process June 2021. Collection method: clinical testing. Allele origin: germline. Affected: yes.
Comment: In silico analysis supports that this missense variant does not alter protein structure/function; Has not been previously published as pathogenic or benign to our knowledge

NM_017721.5(CC2D1A):c.1529G>A (p.Arg510Gln)

Gene: CC2D1A (coiled-coil and C2 domain containing 1A; plus strand). Cytogenetic location: 19p13.12.
Variant type: single nucleotide variant.
Coding change: c.1529G>A on transcript NM_017721.5 (MANE Select); coding-DNA position 1529, G replaced by A.
Protein change: p.Arg510Gln; replaces arginine 510 with glutamine.
Molecular consequence: missense variant.
Genome position (GRCh38, 1-based): chr19:13,920,810, G>A. VCF-style: chr19-13920810-G-A. GRCh37 (hg19) VCF-style: chr19-14031623-G-A.
Other names: short protein forms R510Q.
Identifiers: ClinVar variation 1700725 (VCV001700725.3), dbSNP rs867408303, ClinGen allele CA305624043.